The following is an entry in ClinVar:

ClinVar aggregate classification (germline): Uncertain significance (1 of 4 stars; one submission).

Conditions:
Bardet-Biedl syndrome (BBS). Identifiers: Orphanet 110, MedGen C0752166, MONDO:0015229.

Submission:

Labcorp Genetics (formerly Invitae), Labcorp
Classification: Uncertain significance for Bardet-Biedl syndrome. Last evaluated: 2024-11-07. Review status: criteria provided, single submitter. Criteria: Invitae Variant Classification Sherloc (09022015). Collection method: clinical testing. Allele origin: germline.
Comment: This sequence change replaces glycine, which is neutral and non-polar, with arginine, which is basic and polar, at codon 401 of the BBS10 protein (p.Gly401Arg). This variant is not present in population databases (gnomAD no frequency). This variant has not been reported in the literature in individuals affected with BBS10-related conditions. ClinVar contains an entry for this variant (Variation ID: 1715408). Invitae Evidence Modeling of protein sequence and biophysical properties (such as structural, functional, and spatial information, amino acid conservation, physicochemical variation, residue mobility, and thermodynamic stability) indicates that this missense variant is expected to disrupt BBS10 protein function with a positive predictive value of 80%. In summary, the available evidence is currently insufficient to determine the role of this variant in disease. Therefore, it has been classified as a Variant of Uncertain Significance.

NM_024685.4(BBS10):c.1201G>A (p.Gly401Arg)

Gene: BBS10 (Bardet-Biedl syndrome 10; minus strand). Cytogenetic location: 12q21.2.
Variant type: single nucleotide variant.
Coding change: c.1201G>A on transcript NM_024685.4 (MANE Select); coding-DNA position 1201, G replaced by A.
Protein change: p.Gly401Arg; replaces glycine 401 with arginine.
Molecular consequence: missense variant.
Genome position (GRCh38, 1-based): chr12:76,346,784, C>T on the plus strand (G>A on the coding strand, the complement: BBS10 is on the minus strand). VCF-style: chr12-76346784-C-T. GRCh37 (hg19) VCF-style: chr12-76740564-C-T.
Other names: short protein forms G401R.
Identifiers: ClinVar variation 1715408 (VCV001715408.5), dbSNP rs2540956001, ClinGen allele CA385812312.